The following is an entry in ClinVar:

ClinVar aggregate classification (germline): Likely benign. Review status: criteria provided, single submitter (1 of 4 stars). 2 submissions from 2 submitters: Likely benign (1). 1 of the submissions does not count toward it. Last evaluated 2025-12-09.

Conditions:
PKHD1-related disorder. Also called: PKHD1-related condition.
Autosomal recessive polycystic kidney disease (ARPKD). Also called: AR polycystic kidney disease. Identifiers: Orphanet 731, Orphanet 8378, MedGen C0085548, MeSH D017044, MONDO:0009889.

Allele frequency attached by ClinVar (database versions not stated): gnomAD exomes 0.00001 and 0.00003; ExAC 0.00002.
gnomAD v4.1: 21 of 1,613,432 alleles (0.0013%); highest among the groups gnomAD compares: South Asian, 0.013%; no homozygotes.

Submissions (2):

Labcorp Genetics (formerly Invitae), Labcorp
Classification: Likely benign for Autosomal recessive polycystic kidney disease. Last evaluated: 2025-12-09. Review status: criteria provided, single submitter. Criteria: Invitae Variant Classification Sherloc (09022015). Collection method: clinical testing. Allele origin: germline.

PreventionGenetics, part of Exact Sciences
Classification: Likely benign for PKHD1-related condition. Last evaluated: 2021-05-11. Review status: no assertion criteria provided. Collection method: clinical testing. Allele origin: germline. Not counted in ClinVar's aggregate classification.
Comment: This variant is classified as likely benign based on ACMG/AMP sequence variant interpretation guidelines (Richards et al. 2015 PMID: 25741868, with internal and published modifications).

NM_138694.4(PKHD1):c.10350C>T (p.Cys3450=)

Gene: PKHD1 (PKHD1 ciliary IPT domain containing fibrocystin/polyductin; minus strand). Cytogenetic location: 6p12.3.
Variant type: single nucleotide variant.
Coding change: c.10350C>T on transcript NM_138694.4 (MANE Select); coding-DNA position 10350, C replaced by T.
Protein change: p.Cys3450=; no amino-acid change (cysteine 3450 retained).
Molecular consequence: synonymous variant.
Genome position (GRCh38, 1-based): chr6:51,659,776, G>A on the plus strand (C>T on the coding strand, the complement: PKHD1 is on the minus strand). VCF-style: chr6-51659776-G-A. GRCh37 (hg19) VCF-style: chr6-51524574-G-A.
Other names: c.10350C>T (NM_138694.3).
Identifiers: ClinVar variation 1545277 (VCV001545277.10), dbSNP rs765652131, ClinGen allele CA3851096.